The following is an entry in ClinVar:

NM_001365999.1(SZT2):c.1024C>T (p.His342Tyr)

Gene: SZT2 (SZT2 subunit of KICSTOR complex; plus strand). Cytogenetic location: 1p34.2.
Variant type: single nucleotide variant.
Coding change: c.1024C>T on transcript NM_001365999.1 (MANE Select); coding-DNA position 1024, C replaced by T.
Protein change: p.His342Tyr; replaces histidine 342 with tyrosine.
Molecular consequence: missense variant.
Genome position (GRCh38, 1-based): chr1:43,419,878, C>T. VCF-style: chr1-43419878-C-T. GRCh37 (hg19) VCF-style: chr1-43885549-C-T.
Other names: c.1024C>T, p.His342Tyr (NM_015284.4); short protein forms H342Y.
Identifiers: ClinVar variation 1474503 (VCV001474503.6), dbSNP rs1652133971, ClinGen allele CA340006151.

ClinVar aggregate classification (germline): Uncertain significance (1 of 4 stars; one submission).

Allele frequency attached by ClinVar (database versions not stated): TOPMed below 0.00001.

Submission:

Labcorp Genetics (formerly Invitae), Labcorp
Classification: Uncertain significance. Last evaluated: 2022-08-23. Review status: criteria provided, single submitter. Criteria: Invitae Variant Classification Sherloc (09022015). Collection method: clinical testing. Allele origin: germline.
Comment: This variant has not been reported in the literature in individuals affected with SZT2-related conditions. ClinVar contains an entry for this variant (Variation ID: 1474503). Algorithms developed to predict the effect of missense changes on protein structure and function are either unavailable or do not agree on the potential impact of this missense change (SIFT: "Tolerated"; PolyPhen-2: "Possibly Damaging"; Align-GVGD: "Class C0"). In summary, the available evidence is currently insufficient to determine the role of this variant in disease. Therefore, it has been classified as a Variant of Uncertain Significance. This variant is not present in population databases (gnomAD no frequency). This sequence change replaces histidine, which is basic and polar, with tyrosine, which is neutral and polar, at codon 342 of the SZT2 protein (p.His342Tyr).